The following is an entry in ClinVar:

NM_013275.6(ANKRD11):c.2273_2274del (p.Leu758fs)

Gene: ANKRD11 (ankyrin repeat domain 11; minus strand). Cytogenetic location: 16q24.3.
Variant type: Deletion.
Coding change: c.2273_2274del on transcript NM_013275.6 (MANE Select); coding-DNA positions 2273 to 2274, 2 bases deleted (TG; older notation c.2273_2274delTG).
Protein change: p.Leu758fs; shifts the reading frame from leucine 758.
Molecular consequence: frameshift variant.
Genome position (GRCh38, 1-based): chr16:89,284,268-89,284,269, CA deleted on the plus strand (TG on the coding strand, the reverse complement: ANKRD11 is on the minus strand). VCF-style (leftmost placement, unchanged base first): chr16-89284267-TCA-T. GRCh37 (hg19) VCF-style: chr16-89350675-TCA-T.
Other names: c.2273_2274del, p.Leu758fs (NM_001256182.2, NM_001256183.2); short protein forms L758fs.
Identifiers: ClinVar variation 650001 (VCV000650001.4), dbSNP rs1597461334, ClinGen allele CA658790761.

ClinVar aggregate classification (germline): Pathogenic. Review status: criteria provided, multiple submitters, no conflicts (2 of 4 stars). 2 submissions from 2 submitters: Pathogenic (2). Last evaluated 2025-03-09.

Conditions:
KBG syndrome (KBGS). Also called: ANKRD11-Related KBG Syndrome. Identifiers: Orphanet 2332, MedGen C0220687, MONDO:0007846, OMIM 148050.

Submissions (2):

Labcorp Genetics (formerly Invitae), Labcorp
Classification: Pathogenic for KBG syndrome. Last evaluated: 2025-03-09. Review status: criteria provided, single submitter. Criteria: Invitae Variant Classification Sherloc (09022015). Collection method: clinical testing. Allele origin: germline.
Comment: This sequence change creates a premature translational stop signal (p.Leu758Glnfs*23) in the ANKRD11 gene. It is expected to result in an absent or disrupted protein product. Loss-of-function variants in ANKRD11 are known to be pathogenic (PMID: 21782149, 25125236, 25413698, 25652421). This variant is not present in population databases (gnomAD no frequency). This premature translational stop signal has been observed in individual(s) with clinical features of ANKRD11-related conditions (PMID: 33057194, 35982159). ClinVar contains an entry for this variant (Variation ID: 650001). For these reasons, this variant has been classified as Pathogenic.

Institute of Human Genetics Munich, TUM University Hospital
Classification: Pathogenic for KBG syndrome. Last evaluated: 2021-12-27. Review status: criteria provided, single submitter. Criteria: Classification criteria August 2017. Collection method: clinical testing. Allele origin: maternal. Inheritance: Autosomal dominant inheritance. Affected: yes. Observed: 1 variant allele.

Literature cited by the submitters: PubMed 21782149 (cited by Labcorp Genetics (formerly Invitae), Labcorp); PubMed 25125236 (cited by Labcorp Genetics (formerly Invitae), Labcorp); PubMed 25413698 (cited by Labcorp Genetics (formerly Invitae), Labcorp); PubMed 25652421 (cited by Labcorp Genetics (formerly Invitae), Labcorp); PubMed 33057194 (cited by Labcorp Genetics (formerly Invitae), Labcorp); PubMed 35982159 (cited by Labcorp Genetics (formerly Invitae), Labcorp).